The following is an entry in ClinVar:

ClinVar aggregate classification (germline): Uncertain significance. Review status: criteria provided, single submitter (1 of 4 stars). 2 submissions from 1 submitter: Uncertain significance (2). Last evaluated 2022-07-12.

Conditions:
Proteosome-associated autoinflammatory syndrome. Also called: Proteasome-associated autoinflammatory syndrome. Identifiers: Orphanet 324977, MedGen C1850568, MONDO:0009726.
MHC class I deficiency. Identifiers: Orphanet 34592, MedGen C6024714, MONDO:0011476.

Submissions (2):

Labcorp Genetics (formerly Invitae), Labcorp
Classification: Uncertain significance for MHC class I deficiency 1. Last evaluated: 2022-07-12. Review status: criteria provided, single submitter. Criteria: Invitae Variant Classification Sherloc (09022015). Collection method: clinical testing. Allele origin: germline.
Comment: In summary, the available evidence is currently insufficient to determine the role of this variant in disease. Therefore, it has been classified as a Variant of Uncertain Significance. This variant has not been reported in the literature in individuals affected with TAP2-related conditions. This variant results in a copy number gain of the genomic region encompassing exon(s) 1-5 of the TAP2 gene. This region includes the initiator codon of the gene. This copy number gain extends beyond the assayed region for this gene and therefore may encompass additional genes. As the precise location of this event is unknown, it may be in tandem or it may be located elsewhere in the genome.

Labcorp Genetics (formerly Invitae), Labcorp
Classification: Uncertain significance for Proteosome-associated autoinflammatory syndrome. Last evaluated: 2022-07-12. Review status: criteria provided, single submitter. Criteria: Invitae Variant Classification Sherloc (09022015). Collection method: clinical testing. Allele origin: germline.
Comment: In summary, the available evidence is currently insufficient to determine the role of this variant in disease. Therefore, it has been classified as a Variant of Uncertain Significance. This variant has not been reported in the literature in individuals affected with PSMB8-related conditions. This variant results in a copy number gain of the genomic region encompassing exon(s) 6 of the PSMB8 gene. This region includes the termination codon of the gene. This copy number gain extends beyond the assayed region for this gene and therefore may encompass additional genes. As the precise location of this event is unknown, it may be in tandem or it may be located elsewhere in the genome.

NC_000006.11:g.(?_32802911)_(32808844_?)dup

Genes: PSMB8 (proteasome 20S subunit beta 8; minus strand), TAP2 (transporter 2, ATP binding cassette subfamily B member; minus strand). Cytogenetic location: 6p21.32.
Variant type: Duplication.
Identifiers: ClinVar variation 1438989 (VCV001438989.7).